The following is an entry in ClinVar:

NM_021147.5(CCNO):c.58G>C (p.Asp20His)

Gene: CCNO (cyclin O; minus strand). Cytogenetic location: 5q11.2.
Variant type: single nucleotide variant.
Coding change: c.58G>C on transcript NM_021147.5 (MANE Select); coding-DNA position 58, G replaced by C.
Protein change: p.Asp20His; replaces aspartic acid 20 with histidine.
Molecular consequence: missense variant. On other transcripts: non-coding transcript variant (2).
Genome position (GRCh38, 1-based): chr5:55,233,466, C>G on the plus strand (G>C on the coding strand, the complement: CCNO is on the minus strand). VCF-style: chr5-55233466-C-G. GRCh37 (hg19) VCF-style: chr5-54529294-C-G.
Other names: short protein forms D20H.
Identifiers: ClinVar variation 4716255 (VCV004716255.1).

ClinVar aggregate classification (germline): Uncertain significance (1 of 4 stars; one submission).

Conditions:
Primary ciliary dyskinesia. Also called: Ciliary dyskinesia. Identifiers: Orphanet 244, MedGen C0008780, MONDO:0016575, HP:0012265.

Submission:

Labcorp Genetics (formerly Invitae), Labcorp
Classification: Uncertain significance for Primary ciliary dyskinesia. Last evaluated: 2025-03-29. Review status: criteria provided, single submitter. Criteria: Invitae Variant Classification Sherloc (09022015). Collection method: clinical testing. Allele origin: germline.
Comment: This sequence change replaces aspartic acid, which is acidic and polar, with histidine, which is basic and polar, at codon 20 of the CCNO protein (p.Asp20His). This variant is not present in population databases (gnomAD no frequency). This variant has not been reported in the literature in individuals affected with CCNO-related conditions. An algorithm developed to predict the effect of missense changes on protein structure and function (PolyPhen-2) suggests that this variant is likely to be tolerated. In summary, the available evidence is currently insufficient to determine the role of this variant in disease. Therefore, it has been classified as a Variant of Uncertain Significance.